The following is an entry in ClinVar:

NM_001013703.4(EIF2AK4):c.860-272A>G

Gene: EIF2AK4 (eukaryotic translation initiation factor 2 alpha kinase 4; plus strand). Cytogenetic location: 15q15.1.
Variant type: single nucleotide variant.
Coding change: c.860-272A>G on transcript NM_001013703.4 (MANE Select); 272 bases into the intron before coding-DNA position 860, A replaced by G.
Molecular consequence: intron variant.
Genome position (GRCh38, 1-based): chr15:39,965,414, A>G. VCF-style: chr15-39965414-A-G. GRCh37 (hg19) VCF-style: chr15-40257615-A-G.
Identifiers: ClinVar variation 683494 (VCV000683494.1), dbSNP rs472027, ClinGen allele CA14158820.

ClinVar aggregate classification (germline): Benign (1 of 4 stars; one submission).

Allele frequency attached by ClinVar (database versions not stated): 1000 Genomes Project 0.85164; 1000 Genomes Project 30x 0.85275; TOPMed 0.90444; gnomAD 0.91515 and 0.91892.
gnomAD v4.1: 139,359 of 152,260 alleles (92%); highest among the groups gnomAD compares: Middle Eastern, 97%; 64,149 homozygotes.

Submission:

GeneDx
Classification: Benign. Last evaluated: 2018-06-14. Review status: criteria provided, single submitter. Criteria: GeneDx Variant Classification (06012015). Collection method: clinical testing. Allele origin: germline. Affected: yes.
Comment: This variant is considered likely benign or benign based on one or more of the following criteria: it is a conservative change, it occurs at a poorly conserved position in the protein, it is predicted to be benign by multiple in silico algorithms, and/or has population frequency not consistent with disease.